The following is an entry in ClinVar:

ClinVar aggregate classification (germline): Pathogenic. Review status: criteria provided, multiple submitters, no conflicts (2 of 4 stars). 3 submissions from 3 submitters: Pathogenic (3). Last evaluated 2025-01-21.

Conditions:
Hereditary cancer-predisposing syndrome. Also called: Tumor predisposition; Hereditary neoplastic syndrome; Neoplastic Syndromes, Hereditary; Hereditary Cancer Syndrome. Identifiers: Orphanet 140162, MedGen C0027672, MeSH D009386, MONDO:0015356.
Familial adenomatous polyposis 4 (FAP4). Also called: MSH3-related attenuated familial adenomatous polyposis. Identifiers: Orphanet 480536, MedGen C4310719, MONDO:0044300, OMIM 617100.

Submissions (3):

Labcorp Genetics (formerly Invitae), Labcorp
Classification: Pathogenic. Last evaluated: 2025-01-21. Review status: criteria provided, single submitter. Criteria: Invitae Variant Classification Sherloc (09022015). Collection method: clinical testing. Allele origin: germline.
Comment: This sequence change creates a premature translational stop signal (p.Val101Glufs*10) in the MSH3 gene. It is expected to result in an absent or disrupted protein product. Loss-of-function variants in MSH3 are known to be pathogenic (PMID: 27476653, 37402566). This variant is not present in population databases (gnomAD no frequency). This variant has not been reported in the literature in individuals affected with MSH3-related conditions. ClinVar contains an entry for this variant (Variation ID: 950444). For these reasons, this variant has been classified as Pathogenic.

Ambry Genetics
Classification: Pathogenic for Hereditary cancer-predisposing syndrome. Last evaluated: 2024-12-20. Review status: criteria provided, single submitter. Criteria: Ambry Variant Classification Scheme 2023. Collection method: clinical testing. Allele origin: germline.
Comment: The c.302_306delTAAAG pathogenic mutation, located in coding exon 2 of the MSH3 gene, results from a deletion of 5 nucleotides at nucleotide positions 302 to 306, causing a translational frameshift with a predicted alternate stop codon (p.V101Efs*10). This variant is considered to be rare based on population cohorts in the Genome Aggregation Database (gnomAD). This alteration is expected to result in loss of function by premature protein truncation or nonsense-mediated mRNA decay. As such, this alteration is interpreted as a disease-causing mutation.

Myriad Genetics, Inc.
Classification: Pathogenic for Familial adenomatous polyposis 4. Last evaluated: 2023-08-29. Review status: criteria provided, single submitter. Criteria: Myriad Autosomal Dominant, Autosomal Recessive and X-Linked Classification Criteria (2023). Collection method: clinical testing. Allele origin: unknown.
Comment: This variant is considered pathogenic. This variant creates a frameshift predicted to result in premature protein truncation.

Literature cited by the submitters: PubMed 27476653 (cited by Labcorp Genetics (formerly Invitae), Labcorp); PubMed 37402566 (cited by Labcorp Genetics (formerly Invitae), Labcorp).

NM_002439.5(MSH3):c.302_306del (p.Val101fs)

Gene: MSH3 (mutS homolog 3; plus strand). Cytogenetic location: 5q14.1.
Variant type: Deletion.
Coding change: c.302_306del on transcript NM_002439.5 (MANE Select); coding-DNA positions 302 to 306, 5 bases deleted (TAAAG; older notation c.302_306delTAAAG).
Protein change: p.Val101fs; shifts the reading frame from valine 101.
Molecular consequence: frameshift variant.
Genome position (GRCh38, 1-based): chr5:80,656,475-80,656,479, TAAAG deleted; deleting any 5 consecutive bases within chr5:80,656,471-80,656,479 gives the same sequence; the c. name uses the placement nearest the transcript's 3' end. VCF-style (leftmost placement, unchanged base first): chr5-80656470-GAAAGT-G. GRCh37 (hg19) VCF-style: chr5-79952289-GAAAGT-G.
Other names: short protein forms V101fs.
Identifiers: ClinVar variation 950444 (VCV000950444.12), dbSNP rs1749288569, ClinGen allele CA1139658923.
Genomic context (GRCh38, chr5:80,656,470, plus strand): 5'-GGCTACAGAAATTGACAGAAGAAAGAAGAGACCATTGGAAAATGATGGGCCTGTTAAAAA[GAAAGT>G]AAAGAAAGTCCAACAAAAGGAAGGAGGAAGTGATCTGGGAATGTCTGGCAACTCTGGTGA-3'